The following is an entry in ClinVar:

ClinVar aggregate classification (germline): Pathogenic/Likely pathogenic. Review status: criteria provided, multiple submitters, no conflicts (2 of 4 stars). 2 submissions from 2 submitters: Pathogenic (1); Likely pathogenic (1). Last evaluated 2025-04-15.

Conditions:
Episodic ataxia type 2 (EA2). Also called: ATAXIA, EPISODIC, WITH NYSTAGMUS; ATAXIA, FAMILIAL PAROXYSMAL; CEREBELLAR ATAXIA, PAROXYSMAL, ACETAZOLAMIDE-RESPONSIVE; CEREBELLOPATHY, HEREDITARY PAROXYSMAL; ACETAZOLAMIDE-RESPONSIVE HEREDITARY PAROXYSMAL CEREBELLAR ATAXIA; EPISODIC ATAXIA, NYSTAGMUS-ASSOCIATED. Identifiers: Orphanet 97, MedGen C1720416, MONDO:0007163, OMIM 108500.
Developmental and epileptic encephalopathy, 42 (DEE42A). Also called: DEVELOPMENTAL AND EPILEPTIC ENCEPHALOPATHY 42A; EPILEPTIC ENCEPHALOPATHY, EARLY INFANTILE, 42A; Epileptic encephalopathy, early infantile, 42. Identifiers: MedGen C4310716, MONDO:0014917, OMIM 617106.

Allele frequency attached by ClinVar (database versions not stated): gnomAD exomes below 0.00001 and 0.00001; TOPMed 0.00001.
gnomAD v4.1: 7 of 1,598,892 alleles (0.00044%); highest among the groups gnomAD compares: South Asian, 0.0022%; no homozygotes.

Submissions (2):

GeneDx
Classification: Pathogenic. Last evaluated: 2025-04-15. Review status: criteria provided, single submitter. Criteria: GeneDx Variant Classification Process June 2021. Collection method: clinical testing. Allele origin: germline. Affected: yes.
Comment: Canonical splice site variant predicted to result in a null allele in a gene for which loss of function is a known mechanism of disease; Not observed at significant frequency in large population cohorts (gnomAD); Has not been previously published as pathogenic or benign to our knowledge

Labcorp Genetics (formerly Invitae), Labcorp
Classification: Likely pathogenic for Developmental and epileptic encephalopathy, 42; Episodic ataxia type 2. Last evaluated: 2020-10-08. Review status: criteria provided, single submitter. Criteria: Invitae Variant Classification Sherloc (09022015). Collection method: clinical testing. Allele origin: germline.
Comment: Algorithms developed to predict the effect of sequence changes on RNA splicing suggest that this variant may disrupt the consensus splice site, but this prediction has not been confirmed by published transcriptional studies. In summary, the currently available evidence indicates that the variant is pathogenic, but additional data are needed to prove that conclusively. Therefore, this variant has been classified as Likely Pathogenic. Donor and acceptor splice site variants typically lead to a loss of protein function (PMID: 16199547), and loss-of-function variants in CACNA1A are known to be pathogenic (PMID: 10371528, 19486177, 25735478, 27250579). This variant has been observed in individual(s) with clinical features of CACNA1A-related conditions (Invitae). ClinVar contains an entry for this variant (Variation ID: 392420). This variant is not present in population databases (ExAC no frequency). This sequence change affects an acceptor splice site in intron 24 of the CACNA1A gene. It is expected to disrupt RNA splicing and likely results in an absent or disrupted protein product.

Literature cited by the submitters: PubMed 16199547 (cited by Labcorp Genetics (formerly Invitae), Labcorp); PubMed 10371528 (cited by Labcorp Genetics (formerly Invitae), Labcorp); PubMed 19486177 (cited by Labcorp Genetics (formerly Invitae), Labcorp); PubMed 25735478 (cited by Labcorp Genetics (formerly Invitae), Labcorp); PubMed 27250579 (cited by Labcorp Genetics (formerly Invitae), Labcorp).

NM_001127222.2(CACNA1A):c.3990-2A>G

Gene: CACNA1A (calcium voltage-gated channel subunit alpha1 A; minus strand). Cytogenetic location: 19p13.13.
Variant type: single nucleotide variant.
Coding change: c.3990-2A>G on transcript NM_001127222.2 (MANE Select); the canonical splice acceptor site of the intron before coding-DNA position 3990, A replaced by G.
Molecular consequence: splice acceptor variant.
Genome position (GRCh38, 1-based): chr19:13,262,835, T>C on the plus strand (A>G on the coding strand, the complement: CACNA1A is on the minus strand). VCF-style: chr19-13262835-T-C. GRCh37 (hg19) VCF-style: chr19-13373649-T-C.
Other names: c.3993-2A>G (NM_001127221.2, NM_001174080.2); c.4002-2A>G (NM_000068.4, NM_023035.3).
Identifiers: ClinVar variation 392420 (VCV000392420.13), dbSNP rs1057524483, ClinGen allele CA16608917.